The following is an entry in ClinVar:

NM_139057.4(ADAMTS17):c.1906T>C (p.Tyr636His)

Gene: ADAMTS17 (ADAM metallopeptidase with thrombospondin type 1 motif 17; minus strand). Cytogenetic location: 15q26.3.
Variant type: single nucleotide variant.
Coding change: c.1906T>C on transcript NM_139057.4 (MANE Select); coding-DNA position 1906, T replaced by C.
Protein change: p.Tyr636His; replaces tyrosine 636 with histidine.
Molecular consequence: missense variant.
Genome position (GRCh38, 1-based): chr15:100,109,099, A>G on the plus strand (T>C on the coding strand, the complement: ADAMTS17 is on the minus strand). VCF-style: chr15-100109099-A-G. GRCh37 (hg19) VCF-style: chr15-100649304-A-G.
Other names: p.Tyr636His; short protein forms Y636H.
Identifiers: ClinVar variation 3380334 (VCV003380334.1).

ClinVar aggregate classification (germline): Uncertain significance (1 of 4 stars; one submission).

Submission:

Mayo Clinic Laboratories, Mayo Clinic
Classification: Uncertain significance. Last evaluated: 2024-04-05. Review status: criteria provided, single submitter. Criteria: ACMG Guidelines, 2015. Collection method: clinical testing. Allele origin: germline. Observed: 1 variant allele.
Comment: BP4_strong, PM2